The following is an entry in ClinVar:

ClinVar aggregate classification (germline): Uncertain significance (1 of 4 stars; one submission).

Conditions:
Wilms tumor 1 (WT1). Also called: Wilms tumor, somatic. Identifiers: Orphanet 654, MedGen CN033288, MONDO:0008679, OMIM 194070.
11p partial monosomy syndrome (WAGR). Also called: WAGR syndrome; CHROMOSOME 11p13 DELETION SYNDROME; WAGR Complex; WAGR Spectrum Disorder. Identifiers: Orphanet 893, MedGen C0206115, MONDO:0008681, OMIM 194072.
Drash syndrome (DDS). Also called: WILMS TUMOR AND PSEUDO- OR TRUE HERMAPHRODITISM; NEPHROPATHY, WILMS TUMOR, AND GENITAL ANOMALIES. Identifiers: Orphanet 220, MedGen C0950121, MONDO:0008682, OMIM 194080.
Frasier syndrome. Identifiers: Orphanet 347, MedGen C0950122, MeSH D052159, MONDO:0007635, OMIM 136680.

Allele frequency attached by ClinVar (database versions not stated): gnomAD 0.00001; TOPMed 0.00001.
gnomAD v4.1: 1 of 1,612,710 alleles (0.000062%); highest among the groups gnomAD compares: Non-Finnish European, 0.000085%; no homozygotes.

Submission:

Labcorp Genetics (formerly Invitae), Labcorp
Classification: Uncertain significance for Wilms tumor 1; Drash syndrome; 11p partial monosomy syndrome; Frasier syndrome. Last evaluated: 2020-02-02. Review status: criteria provided, single submitter. Criteria: Invitae Variant Classification Sherloc (09022015). Collection method: clinical testing. Allele origin: germline.
Comment: In summary, the available evidence is currently insufficient to determine the role of this variant in disease. Therefore, it has been classified as a Variant of Uncertain Significance. Algorithms developed to predict the effect of missense changes on protein structure and function (SIFT, PolyPhen-2, Align-GVGD) all suggest that this variant is likely to be disruptive, but these predictions have not been confirmed by published functional studies and their clinical significance is uncertain. This variant has not been reported in the literature in individuals with WT1-related conditions. This variant is not present in population databases (ExAC no frequency). This sequence change replaces arginine with glycine at codon 194 of the WT1 protein (p.Arg194Gly). The arginine residue is highly conserved and there is a moderate physicochemical difference between arginine and glycine.

NM_024426.6(WT1):c.595A>G (p.Arg199Gly)

Genes: WT1 (WT1 transcription factor; minus strand), LOC107982234 (WT1/WT1-AS bi-directional promoter region; plus strand). Cytogenetic location: 11p13.
Variant type: single nucleotide variant.
Coding change: c.595A>G on transcript NM_024426.6 (MANE Select); coding-DNA position 595, A replaced by G.
Protein change: p.Arg199Gly; replaces arginine 199 with glycine.
Molecular consequence: missense variant. On other transcripts: non-coding transcript variant (1).
Genome position (GRCh38, 1-based): chr11:32,434,766, T>C on the plus strand (A>G on the coding strand, the complement: WT1 is on the minus strand). VCF-style: chr11-32434766-T-C. GRCh37 (hg19) VCF-style: chr11-32456312-T-C.
Other names: c.595A>G, p.Arg199Gly (NM_000378.6, NM_024424.5); short protein forms R199G.
Identifiers: ClinVar variation 1051597 (VCV001051597.13), dbSNP rs1307678573, ClinGen allele CA379964572.